The following is an entry in ClinVar:

NM_014000.3(VCL):c.2828C>T (p.Pro943Leu)

Gene: VCL (vinculin; plus strand). Cytogenetic location: 10q22.2.
Variant type: single nucleotide variant.
Coding change: c.2828C>T on transcript NM_014000.3 (MANE Select); coding-DNA position 2828, C replaced by T.
Protein change: p.Pro943Leu; replaces proline 943 with leucine.
Molecular consequence: missense variant. On other transcripts: intron variant (1).
Genome position (GRCh38, 1-based): chr10:74,111,991, C>T. VCF-style: chr10-74111991-C-T. GRCh37 (hg19) VCF-style: chr10-75871749-C-T.
Other names: c.2746-2193C>T (NM_003373.4); short protein forms P943L.
Identifiers: ClinVar variation 3467827 (VCV003467827.1).

ClinVar aggregate classification (germline): Uncertain significance (1 of 4 stars; one submission).

Conditions:
Cardiovascular phenotype. Identifiers: MedGen CN230736.

Submission:

Ambry Genetics
Classification: Uncertain significance for Cardiovascular phenotype. Last evaluated: 2024-10-27. Review status: criteria provided, single submitter. Criteria: Ambry Variant Classification Scheme 2023. Collection method: clinical testing. Allele origin: germline.
Comment: The p.P943L variant (also known as c.2828C>T), located in coding exon 19 of the VCL gene, results from a C to T substitution at nucleotide position 2828. The proline at codon 943 is replaced by leucine, an amino acid with similar properties. This amino acid position is conserved. In addition, this alteration is predicted to be tolerated by in silico analysis. Based on the available evidence, the clinical significance of this variant remains unclear.